The following is an entry in ClinVar:

NM_001008537.3(NEXMIF):c.2407G>A (p.Val803Ile)

Gene: NEXMIF (neurite extension and migration factor; minus strand). Cytogenetic location: Xq13.3.
Variant type: single nucleotide variant.
Coding change: c.2407G>A on transcript NM_001008537.3 (MANE Select); coding-DNA position 2407, G replaced by A.
Protein change: p.Val803Ile; replaces valine 803 with isoleucine.
Molecular consequence: missense variant.
Genome position (GRCh38, 1-based): chrX:74,742,150, C>T on the plus strand (G>A on the coding strand, the complement: NEXMIF is on the minus strand). VCF-style: chrX-74742150-C-T. GRCh37 (hg19) VCF-style: chrX-73961985-C-T.
Other names: short protein forms V803I.
Identifiers: ClinVar variation 1986800 (VCV001986800.4), dbSNP rs752216214, ClinGen allele CA10455046.

ClinVar aggregate classification (germline): Uncertain significance (1 of 4 stars; one submission).

Allele frequency attached by ClinVar (database versions not stated): gnomAD exomes 0.00001; ExAC 0.00002.
gnomAD v4.1: 7 of 1,211,492 alleles (0.00058%); highest among the groups gnomAD compares: Non-Finnish European, 0.00078%; no homozygotes.

Submission:

Labcorp Genetics (formerly Invitae), Labcorp
Classification: Uncertain significance. Last evaluated: 2025-11-27. Review status: criteria provided, single submitter. Criteria: Invitae Variant Classification Sherloc (09022015). Collection method: clinical testing. Allele origin: germline.
Comment: This sequence change replaces valine, which is neutral and non-polar, with isoleucine, which is neutral and non-polar, at codon 803 of the NEXMIF protein (p.Val803Ile). This variant is present in population databases (rs752216214, gnomAD 0.008%). This variant has not been reported in the literature in individuals affected with NEXMIF-related conditions. ClinVar contains an entry for this variant (Variation ID: 1986800). An algorithm developed to predict the effect of missense changes on protein structure and function outputs the following: PolyPhen-2: "Benign". The isoleucine amino acid residue is found in multiple mammalian species, which suggests that this missense change does not adversely affect protein function. In summary, the available evidence is currently insufficient to determine the role of this variant in disease. Therefore, it has been classified as a Variant of Uncertain Significance.